The following is an entry in ClinVar:

NM_001267550.2(TTN):c.101207G>A (p.Trp33736Ter)

Genes: TTN-AS1 (TTN antisense RNA 1; plus strand), TTN (titin; minus strand). Cytogenetic location: 2q31.2.
Variant type: single nucleotide variant.
Coding change: c.101207G>A on transcript NM_001267550.2 (MANE Select); coding-DNA position 101207, G replaced by A.
Protein change: p.Trp33736Ter; replaces tryptophan 33736 with a stop codon.
Molecular consequence: nonsense.
Genome position (GRCh38, 1-based): chr2:178,535,408, C>T on the plus strand (G>A on the coding strand, the complement: TTN is on the minus strand). VCF-style: chr2-178535408-C-T. GRCh37 (hg19) VCF-style: chr2-179400135-C-T.
Other names: c.96284G>A, p.Trp32095Ter (NM_001256850.1); c.74012G>A, p.Trp24671Ter (NM_003319.4); c.93503G>A, p.Trp31168Ter (NM_133378.4); c.74387G>A, p.Trp24796Ter (NM_133432.3); c.74588G>A, p.Trp24863Ter (NM_133437.4); short protein forms W24796*, W24863*, W31168*, W32095*, W33736*, W24671*.
Identifiers: ClinVar variation 1472629 (VCV001472629.8), dbSNP rs2154136654, ClinGen allele CA349421303.

ClinVar aggregate classification (germline): Likely pathogenic (1 of 4 stars; one submission).

Conditions:
Dilated cardiomyopathy 1G (CMD1G). Identifiers: Orphanet 154, MedGen C1858763, MONDO:0011400, OMIM 604145.
Autosomal recessive limb-girdle muscular dystrophy type 2J (LGMDR10). Also called: MUSCULAR DYSTROPHY, LIMB-GIRDLE, AUTOSOMAL RECESSIVE 10; Limb-girdle muscular dystrophy, type 2J. Identifiers: Orphanet 140922, MedGen C1837342, MONDO:0012127, OMIM 608807.

Submission:

Labcorp Genetics (formerly Invitae), Labcorp
Classification: Likely pathogenic for Dilated cardiomyopathy 1G; Autosomal recessive limb-girdle muscular dystrophy type 2J. Last evaluated: 2023-12-06. Review status: criteria provided, single submitter. Criteria: Invitae Variant Classification Sherloc (09022015). Collection method: clinical testing. Allele origin: germline.
Comment: This sequence change creates a premature translational stop signal (p.Trp33736*) in the TTN gene. While this is not anticipated to result in nonsense mediated decay, it is expected to create a truncated TTN protein. This variant is not present in population databases (gnomAD no frequency). This variant has not been reported in the literature in individuals affected with TTN-related conditions. ClinVar contains an entry for this variant (Variation ID: 1472629). This variant is located in the M band of TTN (PMID: 25589632). Truncating variants in this region have been previously reported in individuals affected with autosomal recessive myopathy and muscular dystrophy (PMID: 18948003, 23975875, 24395473). Truncating variants in this region have also been identified in individuals affected with autosomal dominant dilated cardiomyopathy and/or cardio-related conditions (PMID: 27869827, 32964742). In summary, the currently available evidence indicates that the variant is pathogenic, but additional data are needed to prove that conclusively. Therefore, this variant has been classified as Likely Pathogenic.

Literature cited by the submitters: PubMed 25589632; PubMed 18948003; PubMed 23975875; PubMed 24395473; PubMed 27869827; PubMed 32964742.